The following is an entry in ClinVar:

NM_022095.4(ZNF335):c.1797dup (p.Lys600Ter)

Gene: ZNF335 (zinc finger protein 335; minus strand). Cytogenetic location: 20q13.12.
Variant type: Duplication.
Coding change: c.1797dup on transcript NM_022095.4 (MANE Select); coding-DNA position 1797, one base duplicated (T; older notation c.1797dupT).
Protein change: p.Lys600Ter; replaces lysine 600 with a stop codon.
Molecular consequence: nonsense.
Genome position (GRCh38, 1-based): chr20:45,960,511, A duplicated on the plus strand (T on the coding strand, the reverse complement: ZNF335 is on the minus strand); the first of 3 consecutive A bases (chr20:45,960,511-45,960,513); duplicating any one gives the same sequence. VCF-style (leftmost placement, unchanged base first): chr20-45960510-T-TA. GRCh37 (hg19) VCF-style: chr20-44589149-T-TA.
Other names: short protein forms K600*.
Identifiers: ClinVar variation 2761650 (VCV002761650.3), dbSNP rs2515555879, ClinGen allele CA2697547411.

ClinVar aggregate classification (germline): Pathogenic (1 of 4 stars; one submission).

Submission:

Labcorp Genetics (formerly Invitae), Labcorp
Classification: Pathogenic. Last evaluated: 2025-10-21. Review status: criteria provided, single submitter. Criteria: Invitae Variant Classification Sherloc (09022015). Collection method: clinical testing. Allele origin: germline.
Comment: This sequence change creates a premature translational stop signal (p.Lys600*) in the ZNF335 gene. It is expected to result in an absent or disrupted protein product. Loss-of-function variants in ZNF335 are known to be pathogenic (PMID: 23178126, 26795593). This variant is not present in population databases (gnomAD no frequency). This variant has not been reported in the literature in individuals affected with ZNF335-related conditions. ClinVar contains an entry for this variant (Variation ID: 2761650). For these reasons, this variant has been classified as Pathogenic.

Literature cited by the submitters: PubMed 23178126; PubMed 26795593.